The following is an entry in ClinVar:

NM_003002.4(SDHD):c.347A>G (p.His116Arg)

Gene: SDHD (succinate dehydrogenase complex subunit D; plus strand). Cytogenetic location: 11q23.1.
Variant type: single nucleotide variant.
Coding change: c.347A>G on transcript NM_003002.4 (MANE Select); coding-DNA position 347, A replaced by G.
Protein change: p.His116Arg; replaces histidine 116 with arginine.
Molecular consequence: missense variant. On other transcripts: 3 prime UTR variant (1), non-coding transcript variant (1).
Genome position (GRCh38, 1-based): chr11:112,094,837, A>G. VCF-style: chr11-112094837-A-G. GRCh37 (hg19) VCF-style: chr11-111965561-A-G.
Other names: c.202A>G, p.Met68Val (NM_001276503.2); c.230A>G, p.His77Arg (NM_001276504.2); c.*45A>G (NM_001276506.2); short protein forms M68V, H116R, H77R.
Identifiers: ClinVar variation 2567224 (VCV002567224.2), dbSNP rs2135277447, ClinGen allele CA382618885.

ClinVar aggregate classification (germline): Uncertain significance (1 of 4 stars; one submission).

Conditions:
Hereditary cancer-predisposing syndrome. Also called: Hereditary neoplastic syndrome; Hereditary Cancer Syndrome; Neoplastic Syndromes, Hereditary; Tumor predisposition. Identifiers: Orphanet 140162, MedGen C0027672, MeSH D009386, MONDO:0015356.

Submission:

Ambry Genetics
Classification: Uncertain significance for Hereditary cancer-predisposing syndrome. Last evaluated: 2023-03-30. Review status: criteria provided, single submitter. Criteria: Ambry Variant Classification Scheme 2023. Collection method: clinical testing. Allele origin: germline.
Comment: The p.H116R variant (also known as c.347A>G), located in coding exon 4 of the SDHD gene, results from an A to G substitution at nucleotide position 347. The histidine at codon 116 is replaced by arginine, an amino acid with highly similar properties. This amino acid position is not well conserved in available vertebrate species. In addition, the in silico prediction for this alteration is inconclusive. Since supporting evidence is limited at this time, the clinical significance of this alteration remains unclear.